The following is an entry in ClinVar:

ClinVar aggregate classification (germline): Uncertain significance (1 of 4 stars; one submission).

Conditions:
Nephronophthisis 18 (NPHP18). Identifiers: Orphanet 655, MedGen C3890591, MONDO:0014374, OMIM 615862.

Allele frequency attached by ClinVar (database versions not stated): gnomAD exomes below 0.00001; TOPMed below 0.00001.
gnomAD v4.1: 2 of 1,507,490 alleles (0.00013%); highest among the groups gnomAD compares: African/African-American, 0.0014%; no homozygotes.

Submission:

Labcorp Genetics (formerly Invitae), Labcorp
Classification: Uncertain significance for Nephronophthisis 18. Last evaluated: 2025-01-27. Review status: criteria provided, single submitter. Criteria: Invitae Variant Classification Sherloc (09022015). Collection method: clinical testing. Allele origin: germline.
Comment: This sequence change replaces alanine, which is neutral and non-polar, with threonine, which is neutral and polar, at codon 170 of the CEP83 protein (p.Ala170Thr). This variant is not present in population databases (gnomAD no frequency). This variant has not been reported in the literature in individuals affected with CEP83-related conditions. ClinVar contains an entry for this variant (Variation ID: 2049650). Invitae Evidence Modeling of protein sequence and biophysical properties (such as structural, functional, and spatial information, amino acid conservation, physicochemical variation, residue mobility, and thermodynamic stability) indicates that this missense variant is not expected to disrupt CEP83 protein function with a negative predictive value of 80%. In summary, the available evidence is currently insufficient to determine the role of this variant in disease. Therefore, it has been classified as a Variant of Uncertain Significance.

NM_016122.3(CEP83):c.508G>A (p.Ala170Thr)

Gene: CEP83 (centrosomal protein 83; minus strand). Cytogenetic location: 12q22.
Variant type: single nucleotide variant.
Coding change: c.508G>A on transcript NM_016122.3 (MANE Select); coding-DNA position 508, G replaced by A.
Protein change: p.Ala170Thr; replaces alanine 170 with threonine.
Molecular consequence: missense variant. On other transcripts: non-coding transcript variant (3), intron variant (2).
Genome position (GRCh38, 1-based): chr12:94,400,891, C>T on the plus strand (G>A on the coding strand, the complement: CEP83 is on the minus strand). VCF-style: chr12-94400891-C-T. GRCh37 (hg19) VCF-style: chr12-94794667-C-T.
Other names: c.508G>A, p.Ala170Thr (NM_001042399.2, NM_001346457.2, NM_001346460.2 and 3 more transcripts); c.196G>A, p.Ala66Thr (NM_001346458.2, NM_001346459.2, NM_001346462.2 and 2 more transcripts); c.324+10806G>A (NM_001368041.1); c.12+10806G>A (NM_001368042.1); short protein forms A66T, A170T.
Identifiers: ClinVar variation 2049650 (VCV002049650.3), dbSNP rs1216691318, ClinGen allele CA386143034.